The following is an entry in ClinVar:

ClinVar aggregate classification (germline): Uncertain significance. Review status: criteria provided, multiple submitters, no conflicts (2 of 4 stars). 3 submissions from 3 submitters: Uncertain significance (2). 1 of the submissions does not count toward it. Last evaluated 2025-06-03.

Conditions:
Inborn genetic diseases. Identifiers: MedGen C0950123, MeSH D030342.
Granulomatous disease, chronic, autosomal recessive, cytochrome b-negative. Also called: GRANULOMATOUS DISEASE, CHRONIC, AUTOSOMAL RECESSIVE, 4; Chronic granulomatous disease, autosomal, due to deficiency of CYBA; CGD DUE TO DEFICIENCY OF THE ALPHA SUBUNIT OF CYTOCHROME b; CGD, AUTOSOMAL RECESSIVE CYTOCHROME b-NEGATIVE; CYBA DEFICIENCY. Identifiers: Orphanet 379, MedGen C1856255, MONDO:0009308, OMIM 233690.
Chronic granulomatous disease. Identifiers: Orphanet 379, MedGen C0018203, MONDO:0018305.

Submissions (3):

Ambry Genetics
Classification: Uncertain significance for Inborn genetic diseases. Last evaluated: 2025-06-03. Review status: criteria provided, single submitter. Criteria: Ambry Variant Classification Scheme 2023. Collection method: clinical testing. Allele origin: germline.

Labcorp Genetics (formerly Invitae), Labcorp
Classification: Uncertain significance for Granulomatous disease, chronic, autosomal recessive, cytochrome b-negative. Last evaluated: 2022-08-19. Review status: criteria provided, single submitter. Criteria: Invitae Variant Classification Sherloc (09022015). Collection method: clinical testing. Allele origin: germline.
Comment: This sequence change replaces arginine, which is basic and polar, with glycine, which is neutral and non-polar, at codon 56 of the CYBA protein (p.Arg56Gly). This variant is present in population databases (rs767148046, gnomAD 0.008%). This variant has not been reported in the literature in individuals affected with CYBA-related conditions. ClinVar contains an entry for this variant (Variation ID: 1063259). Algorithms developed to predict the effect of missense changes on protein structure and function are either unavailable or do not agree on the potential impact of this missense change (SIFT: "Deleterious"; PolyPhen-2: "Probably Damaging"; Align-GVGD: "Class C0"). In summary, the available evidence is currently insufficient to determine the role of this variant in disease. Therefore, it has been classified as a Variant of Uncertain Significance.

Natera, Inc.
Classification: Uncertain significance for Chronic granulomatous disease. Last evaluated: 2020-03-29. Review status: no assertion criteria provided. Collection method: clinical testing. Allele origin: germline. Not counted in ClinVar's aggregate classification.

NM_000101.4(CYBA):c.166C>G (p.Arg56Gly)

Gene: CYBA (cytochrome b-245 alpha chain; minus strand). Cytogenetic location: 16q24.2.
Variant type: single nucleotide variant.
Coding change: c.166C>G on transcript NM_000101.4 (MANE Select); coding-DNA position 166, C replaced by G.
Protein change: p.Arg56Gly; replaces arginine 56 with glycine.
Molecular consequence: missense variant.
Genome position (GRCh38, 1-based): chr16:88,647,138, G>C on the plus strand (C>G on the coding strand, the complement: CYBA is on the minus strand). VCF-style: chr16-88647138-G-C. GRCh37 (hg19) VCF-style: chr16-88713546-G-C.
Other names: c.166C>G (NM_000101.2); short protein forms R56G.
Identifiers: ClinVar variation 1063259 (VCV001063259.8), dbSNP rs767148046, ClinGen allele CA8228407.
Genomic context (GRCh38, chr16:88,647,138, plus strand): 5'-CCCCAGAGCAGGAGGAGACTCACCAGCGCTCCATGGTGGAGCCCTTCTTCCTCTTCCCCC[G>C]GGGGTACTCCAGCAGGCACACAAACACGCCCGCCACACTGAAGCCATGTGGTTAAGGAAC-3'
Protein context (NP_000092.2, residues 46-66): GVFVCLLEYP[Arg56Gly]GKRKKGSTME